The following is an entry in ClinVar:

ClinVar aggregate classification (germline): Uncertain significance (1 of 4 stars; one submission).

Conditions:
Normophosphatemic familial tumoral calcinosis. Also called: CALCINOSIS, TUMORAL, WITH NORMOPHOSPHATEMIA. Identifiers: Orphanet 306658, Orphanet 53715, MedGen C1864861, MONDO:0012502, OMIM 610455.

Submission:

Myriad Genetics, Inc.
Classification: Uncertain significance for Normophosphatemic familial tumoral calcinosis. Last evaluated: 2026-05-18. Review status: criteria provided, single submitter. Criteria: Myriad Autosomal Dominant, Autosomal Recessive and X-Linked Classification Criteria (2023). Collection method: clinical testing. Allele origin: unknown.
Comment: NM_017654.3(SAMD9):c.1260C>A(C420*) is a nonsense variant classified as a variant of uncertain significance in the context of normophosphatemic familial tumoral calcinosis. C420* has not been observed in cases with relevant disease. Relevant functional assessments of this variant are not available in the literature. C420* has not been observed in referenced population frequency databases. In summary, there is insufficient evidence to classify NM_017654.3(SAMD9):c.1260C>A(C420*) as pathogenic or benign. Please note: this variant was assessed in the context of healthy population screening.

NM_017654.4(SAMD9):c.1260C>A (p.Cys420Ter)

Gene: SAMD9 (sterile alpha motif domain containing 9; minus strand). Cytogenetic location: 7q21.2.
Variant type: single nucleotide variant.
Coding change: c.1260C>A on transcript NM_017654.4 (MANE Select); coding-DNA position 1260, C replaced by A.
Protein change: p.Cys420Ter; replaces cysteine 420 with a stop codon.
Molecular consequence: nonsense.
Genome position (GRCh38, 1-based): chr7:93,104,838, G>T on the plus strand (C>A on the coding strand, the complement: SAMD9 is on the minus strand). VCF-style: chr7-93104838-G-T. GRCh37 (hg19) VCF-style: chr7-92734151-G-T.
Other names: c.1260C>A, p.Cys420Ter (NM_001193307.2); short protein forms C420*.
Identifiers: ClinVar variation 5003845 (VCV005003845.1).
Genomic context (GRCh38, chr7:93,104,838, plus strand): 5'-CAATACAGCAAACCATTTAATTTCCTTCAGGAAATCTAAGTGTTTTGTTTGATCTGGGTG[G>T]CATTTATTTGTTACAAGAATGTACTGTTCATAGTATGAATTATCTAACAAATCTTGATTT-3'